The following is an entry in ClinVar:

NM_001369268.1(ACAN):c.4403G>C (p.Ser1468Thr)

Gene: ACAN (aggrecan; plus strand). Cytogenetic location: 15q26.1.
Variant type: single nucleotide variant.
Coding change: c.4403G>C on transcript NM_001369268.1 (MANE Select); coding-DNA position 4403, G replaced by C.
Protein change: p.Ser1468Thr; replaces serine 1468 with threonine.
Molecular consequence: missense variant.
Genome position (GRCh38, 1-based): chr15:88,856,988, G>C. VCF-style: chr15-88856988-G-C. GRCh37 (hg19) VCF-style: chr15-89400219-G-C.
Other names: c.4403G>C, p.Ser1468Thr (NM_001135.4, NM_001411096.1, NM_001411097.1 and 1 more transcripts); short protein forms S1468T.
Identifiers: ClinVar variation 3383610 (VCV003383610.1).

ClinVar aggregate classification (germline): Uncertain significance (1 of 4 stars; one submission).

gnomAD v4.1: 9 of 1,613,526 alleles (0.00056%); highest among the groups gnomAD compares: Non-Finnish European, 0.00068%; no homozygotes.

Submission:

GeneDx
Classification: Uncertain significance. Last evaluated: 2024-05-28. Review status: criteria provided, single submitter. Criteria: GeneDx Variant Classification Process June 2021. Collection method: clinical testing. Allele origin: germline. Affected: yes.
Comment: Not observed at significant frequency in large population cohorts (gnomAD); In silico analysis indicates that this missense variant does not alter protein structure/function; Has not been previously published as pathogenic or benign to our knowledge